The following is an entry in ClinVar:

NM_004958.4(MTOR):c.1738G>T (p.Gly580Cys)

Gene: MTOR (mechanistic target of rapamycin kinase; minus strand). Cytogenetic location: 1p36.22.
Variant type: single nucleotide variant.
Coding change: c.1738G>T on transcript NM_004958.4 (MANE Select); coding-DNA position 1738, G replaced by T.
Protein change: p.Gly580Cys; replaces glycine 580 with cysteine.
Molecular consequence: missense variant.
Genome position (GRCh38, 1-based): chr1:11,240,351, C>A on the plus strand (G>T on the coding strand, the complement: MTOR is on the minus strand). VCF-style: chr1-11240351-C-A. GRCh37 (hg19) VCF-style: chr1-11300408-C-A.
Other names: c.1738G>T, p.Gly580Cys (NM_001386500.1); c.490G>T, p.Gly164Cys (NM_001386501.1); short protein forms G164C, G580C.
Identifiers: ClinVar variation 4885155 (VCV004885155.2).

ClinVar aggregate classification (germline): Uncertain significance (1 of 4 stars; one submission).

Submission:

Dasa
Classification: Uncertain significance. Last evaluated: 2025-02-17. Review status: criteria provided, single submitter. Criteria: DASA Assertion Criteria. Collection method: clinical testing. Allele origin: germline.
Comment: NM_004958.4(MTOR):c.1738G>T (p.Gly580Cys) is a missense variant that results in the substitution of glycine with cysteine. This variant is absent from population databases. Computational prediction algorithms are consistent with a benign effect. The currently available literature and clinical evidence are not sufficient to establish a definitive association between this variant and the reported condition. Therefore, this variant is classified as a variant of uncertain significance.